The following is an entry in ClinVar:

NM_001287491.2(TET3):c.3565C>T (p.Gln1189Ter)

Gene: TET3 (tet methylcytosine dioxygenase 3; plus strand). Cytogenetic location: 2p13.1.
Variant type: single nucleotide variant.
Coding change: c.3565C>T on transcript NM_001287491.2 (MANE Select); coding-DNA position 3565, C replaced by T.
Protein change: p.Gln1189Ter; replaces glutamine 1189 with a stop codon.
Molecular consequence: nonsense.
Genome position (GRCh38, 1-based): chr2:74,099,573, C>T. VCF-style: chr2-74099573-C-T. GRCh37 (hg19) VCF-style: chr2-74326700-C-T.
Other names: c.3286C>T, p.Gln1096Ter (NM_001366022.1); c.3160C>T, p.Gln1054Ter (NM_144993.1); short protein forms Q1054*, Q1096*, Q1189*.
Identifiers: ClinVar variation 3030995 (VCV003030995.2), dbSNP rs868736245, ClinGen allele CA347315905.

ClinVar aggregate classification (germline): Likely pathogenic (0 of 4 stars; one submission).

Conditions:
TET3-related disorder. Also called: TET3-Related Disease; TET3-related condition.

Submission:

PreventionGenetics, part of Exact Sciences
Classification: Likely pathogenic for TET3-related condition. Last evaluated: 2024-01-04. Review status: no assertion criteria provided. Collection method: clinical testing. Allele origin: germline.
Comment: The TET3 c.3565C>T variant is predicted to result in premature protein termination (p.Gln1189*). To our knowledge, this variant has not been reported in the literature or in a large population database, indicating this variant is rare. Nonsense variants in TET3 are expected to be pathogenic. Pathogenic loss-of-function variants have been reported upstream and downstream of this variant. This variant is interpreted as likely pathogenic.